The following is an entry in ClinVar:

ClinVar aggregate classification (germline): Conflicting classifications of pathogenicity. Review status: criteria provided, conflicting classifications (1 of 4 stars). 2 submissions from 2 submitters: Likely pathogenic (1); Uncertain significance (1). Last evaluated 2022-03-10.

Submissions (2):

Labcorp Genetics (formerly Invitae), Labcorp
Classification: Uncertain significance. Last evaluated: 2022-03-10. Review status: criteria provided, single submitter. Criteria: Invitae Variant Classification Sherloc (09022015). Collection method: clinical testing. Allele origin: germline.
Comment: In summary, the available evidence is currently insufficient to determine the role of this variant in disease. Therefore, it has been classified as a Variant of Uncertain Significance. This variant disrupts the p.Cys264 amino acid residue in GATA3. Other variant(s) that disrupt this residue have been observed in individuals with GATA3-related conditions (PMID: 32939031), which suggests that this may be a clinically significant amino acid residue. Experimental studies have shown that this missense change affects GATA3 function (PMID: 14985365). Algorithms developed to predict the effect of missense changes on protein structure and function (SIFT, PolyPhen-2, Align-GVGD) all suggest that this variant is likely to be disruptive. ClinVar contains an entry for this variant (Variation ID: 422328). This missense change has been observed in individual(s) with Barakat syndrome (Invitae). This variant is not present in population databases (gnomAD no frequency). This sequence change replaces cysteine, which is neutral and slightly polar, with arginine, which is basic and polar, at codon 264 of the GATA3 protein (p.Cys264Arg).

GeneDx
Classification: Likely pathogenic. Last evaluated: 2016-10-05. Review status: criteria provided, single submitter. Criteria: GeneDx Variant Classification (06012015). Collection method: clinical testing. Allele origin: germline. Affected: yes.
Comment: TThe C264R variant in the GATA3 gene has not been reported previously as a pathogenic variant, noras a benign variant, to our knowledge. The C264R variant was not observed in the Exome AggregationConsortium (ExAC) data set, indicating it is not a common benign variant. The C264R variant is anon-conservative amino acid substitution, which is likely to impact secondary protein structure asthese residues differ in polarity, charge, size and/or other properties. This substitution occurs at aposition that is conserved across species and in silico analysis predicts this variant is probablydamaging to the protein structure/function. A missense variants in a nearby residue (R262G) has beenreported in the Human Gene Mutation Database in association with hyperparathyroidism, deafness andrenal dysplasia (Stenson et al., 2014), supporting the functional importance of this region of theprotein. The C264R variant is a strong candidate for a pathogenic variant

Literature cited by the submitters: PubMed 32939031 (cited by Labcorp Genetics (formerly Invitae), Labcorp); PubMed 14985365 (cited by Labcorp Genetics (formerly Invitae), Labcorp).

NM_001002295.2(GATA3):c.790T>C (p.Cys264Arg)

Gene: GATA3 (GATA binding protein 3; plus strand). Cytogenetic location: 10p14.
Variant type: single nucleotide variant.
Coding change: c.790T>C on transcript NM_001002295.2 (MANE Select); coding-DNA position 790, T replaced by C.
Protein change: p.Cys264Arg; replaces cysteine 264 with arginine.
Molecular consequence: missense variant.
Genome position (GRCh38, 1-based): chr10:8,064,004, T>C. VCF-style: chr10-8064004-T-C. GRCh37 (hg19) VCF-style: chr10-8105967-T-C.
Other names: c.787T>C, p.Cys263Arg (NM_002051.3); short protein forms C264R, C263R.
Identifiers: ClinVar variation 422328 (VCV000422328.10), dbSNP rs767074039, ClinGen allele CA16618992.